The following is an entry in ClinVar:

ClinVar aggregate classification (germline): Likely benign (1 of 4 stars; one submission).

Submission:

CeGaT Center for Human Genetics Tuebingen
Classification: Likely benign. Last evaluated: 2026-05-01. Review status: criteria provided, single submitter. Criteria: CeGaT Center For Human Genetics Tuebingen Variant Classification Criteria Version 2. Collection method: clinical testing. Allele origin: germline. Affected: yes. Observed: 2 variant alleles.
Comment: CNTNAP2: PM2:Supporting, BP4, BP7

NM_014141.6(CNTNAP2):c.834T>G (p.Ser278=)

Gene: CNTNAP2 (contactin associated protein 2; plus strand). Cytogenetic location: 7q35.
Variant type: single nucleotide variant.
Coding change: c.834T>G on transcript NM_014141.6 (MANE Select); coding-DNA position 834, T replaced by G.
Protein change: p.Ser278=; no amino-acid change (serine 278 retained).
Molecular consequence: synonymous variant.
Genome position (GRCh38, 1-based): chr7:147,121,058, T>G. VCF-style: chr7-147121058-T-G. GRCh37 (hg19) VCF-style: chr7-146818150-T-G.
Identifiers: ClinVar variation 4681598 (VCV004681598.5).